The following is an entry in ClinVar:

ClinVar aggregate classification (germline): Uncertain significance. Review status: criteria provided, multiple submitters, no conflicts (2 of 4 stars). 2 submissions from 2 submitters: Uncertain significance (2). Last evaluated 2025-09-05.

Conditions:
Inborn genetic diseases. Identifiers: MedGen C0950123, MeSH D030342.

Allele frequency attached by ClinVar (database versions not stated): gnomAD 0.00002; TOPMed 0.00004.
gnomAD v4.1: 3 of 1,594,232 alleles (0.00019%); highest among the groups gnomAD compares: African/African-American, 0.0041%; no homozygotes.

Submissions (2):

Ambry Genetics
Classification: Uncertain significance for Inborn genetic diseases. Last evaluated: 2025-09-05. Review status: criteria provided, single submitter. Criteria: Ambry Variant Classification Scheme 2023. Collection method: clinical testing. Allele origin: germline.

Women's Health and Genetics/Laboratory Corporation of America, LabCorp
Classification: Uncertain significance. Last evaluated: 2024-09-11. Review status: criteria provided, single submitter. Criteria: LabCorp Variant Classification Summary - May 2015. Collection method: clinical testing. Allele origin: germline.
Comment: Variant summary: SLC33A1 c.151G>C (p.Ala51Pro) results in a non-conservative amino acid change in the encoded protein sequence. Three of five in-silico tools predict a benign effect of the variant on protein function. The variant was absent in 236628 control chromosomes. The available data on variant occurrences in the general population are insufficient to allow any conclusion about variant significance. To our knowledge, no occurrence of c.151G>C in individuals affected with Congenital Cataract-Hearing Loss-Severe Developmental Delay Syndrome and no experimental evidence demonstrating its impact on protein function have been reported. ClinVar contains an entry for this variant (Variation ID: 2469292). Based on the evidence outlined above, the variant was classified as uncertain significance.

NM_004733.4(SLC33A1):c.151G>C (p.Ala51Pro)

Gene: SLC33A1 (solute carrier family 33 member 1; minus strand). Cytogenetic location: 3q25.31.
Variant type: single nucleotide variant.
Coding change: c.151G>C on transcript NM_004733.4 (MANE Select); coding-DNA position 151, G replaced by C.
Protein change: p.Ala51Pro; replaces alanine 51 with proline.
Molecular consequence: missense variant.
Genome position (GRCh38, 1-based): chr3:155,853,847, C>G on the plus strand (G>C on the coding strand, the complement: SLC33A1 is on the minus strand). VCF-style: chr3-155853847-C-G. GRCh37 (hg19) VCF-style: chr3-155571636-C-G.
Other names: c.151G>C, p.Ala51Pro (NM_001190992.2, NM_001363883.1); short protein forms A51P.
Identifiers: ClinVar variation 2469292 (VCV002469292.4), dbSNP rs931321370, ClinGen allele CA85833758.